The following is an entry in ClinVar:

ClinVar aggregate classification (germline): Uncertain significance (1 of 4 stars; one submission).

Conditions:
Hereditary sensory neuropathy-deafness-dementia syndrome. Also called: HSN IE; Hereditary Sensory and Autonomic Neuropathy Type 1E (HSAN1E); NEUROPATHY, HEREDITARY SENSORY, WITH HEARING LOSS AND DEMENTIA; Hereditary sensory neuropathy type IE. Identifiers: Orphanet 456318, MedGen C3279885, MONDO:0013584, OMIM 614116.

Allele frequency attached by ClinVar (database versions not stated): TOPMed below 0.00001; gnomAD 0.00001.
gnomAD v4.1: 1 of 1,614,050 alleles (0.000062%); highest among the groups gnomAD compares: African/African-American, 0.0013%; no homozygotes.

Submission:

Labcorp Genetics (formerly Invitae), Labcorp
Classification: Uncertain significance for Hereditary sensory neuropathy-deafness-dementia syndrome. Last evaluated: 2023-12-31. Review status: criteria provided, single submitter. Criteria: Invitae Variant Classification Sherloc (09022015). Collection method: clinical testing. Allele origin: germline.
Comment: This sequence change replaces threonine, which is neutral and polar, with alanine, which is neutral and non-polar, at codon 901 of the DNMT1 protein (p.Thr901Ala). This variant is not present in population databases (gnomAD no frequency). This variant has not been reported in the literature in individuals affected with DNMT1-related conditions. Advanced modeling of protein sequence and biophysical properties (such as structural, functional, and spatial information, amino acid conservation, physicochemical variation, residue mobility, and thermodynamic stability) performed at Invitae indicates that this missense variant is not expected to disrupt DNMT1 protein function with a negative predictive value of 80%. In summary, the available evidence is currently insufficient to determine the role of this variant in disease. Therefore, it has been classified as a Variant of Uncertain Significance.

NM_001130823.3(DNMT1):c.2701A>G (p.Thr901Ala)

Gene: DNMT1 (DNA methyltransferase 1; minus strand). Cytogenetic location: 19p13.2.
Variant type: single nucleotide variant.
Coding change: c.2701A>G on transcript NM_001130823.3 (MANE Select); coding-DNA position 2701, A replaced by G.
Protein change: p.Thr901Ala; replaces threonine 901 with alanine.
Molecular consequence: missense variant.
Genome position (GRCh38, 1-based): chr19:10,148,903, T>C on the plus strand (A>G on the coding strand, the complement: DNMT1 is on the minus strand). VCF-style: chr19-10148903-T-C. GRCh37 (hg19) VCF-style: chr19-10259579-T-C.
Other names: c.2653A>G, p.Thr885Ala (NM_001318730.2, NM_001379.4); c.2338A>G, p.Thr780Ala (NM_001318731.2); short protein forms T780A, T901A, T885A.
Identifiers: ClinVar variation 3002351 (VCV003002351.3), dbSNP rs2038267351, ClinGen allele CA403926191.